The following is an entry in ClinVar:

NM_001267550.2(TTN):c.57781G>A (p.Glu19261Lys)

Genes: TTN-AS1 (TTN antisense RNA 1; plus strand), TTN (titin; minus strand). Cytogenetic location: 2q31.2.
Variant type: single nucleotide variant.
Coding change: c.57781G>A on transcript NM_001267550.2 (MANE Select); coding-DNA position 57781, G replaced by A.
Protein change: p.Glu19261Lys; replaces glutamic acid 19261 with lysine.
Molecular consequence: missense variant.
Genome position (GRCh38, 1-based): chr2:178,595,573, C>T on the plus strand (G>A on the coding strand, the complement: TTN is on the minus strand). VCF-style: chr2-178595573-C-T. GRCh37 (hg19) VCF-style: chr2-179460300-C-T.
Other names: c.52858G>A, p.Glu17620Lys (NM_001256850.1); c.30586G>A, p.Glu10196Lys (NM_003319.4); c.50077G>A, p.Glu16693Lys (NM_133378.4); c.30961G>A, p.Glu10321Lys (NM_133432.3); c.31162G>A, p.Glu10388Lys (NM_133437.4); short protein forms E16693K, E19261K, E10196K, E17620K, E10388K, E10321K.
Identifiers: ClinVar variation 191934 (VCV000191934.1), dbSNP rs200311184, ClinGen allele CA237912.
Genomic context (GRCh38, chr2:178,595,573, plus strand): 5'-GCTCTCTGATAACAAGTGCCTCTGATGTCTCAACAAATGGACCCATGCCAATACTATTTT[C>T]AGCCGCAATTCGGAAAAAGTAGGCTTTTCCTTGAATGAGACCCTGGACAGTAGCATTTTG-3'
Protein context (NP_001254479.2, residues 19251-19271): GKAYFFRIAA[Glu19261Lys]NSIGMGPFVE

ClinVar aggregate classification (germline): Uncertain significance (1 of 4 stars; one submission).

Allele frequency attached by ClinVar (database versions not stated): TOPMed below 0.00001; gnomAD exomes 0.00001 and below 0.00001.
gnomAD v4.1: 1 of 1,576,980 alleles (0.000063%); highest among the groups gnomAD compares: Non-Finnish European, 0.000086%; no homozygotes.

Submission:

Biesecker Lab/Clinical Genomics Section, National Institutes of Health
Classification: Uncertain significance. Last evaluated: 2013-06-24. Review status: criteria provided, single submitter. Criteria: Ng et al. (Circ Cardiovasc Genet. 2013). Collection method: research. Allele origin: unknown. Observed: 1 variant allele. Study: ClinSeq.
Comment: The study set was not selected for affection status in relation to any cancer. Pathogenicity categories were based on literature curation. See Pubmed ID:23861362 for details.

Medical sequencing